The following is an entry in ClinVar:

NM_033380.3(COL4A5):c.1940G>A (p.Gly647Glu)

Gene: COL4A5 (collagen type IV alpha 5 chain; plus strand). Cytogenetic location: Xq22.3.
Variant type: single nucleotide variant.
Coding change: c.1940G>A on transcript NM_033380.3 (MANE Select); coding-DNA position 1940, G replaced by A.
Protein change: p.Gly647Glu; replaces glycine 647 with glutamic acid.
Molecular consequence: missense variant.
Genome position (GRCh38, 1-based): chrX:108,598,862, G>A. VCF-style: chrX-108598862-G-A. GRCh37 (hg19) VCF-style: chrX-107842092-G-A.
Other names: c.1940G>A, p.Gly647Glu (NM_000495.5); short protein forms G647E.
Identifiers: ClinVar variation 1509321 (VCV001509321.6), dbSNP rs2147813867, ClinGen allele CA413845931.

ClinVar aggregate classification (germline): Likely pathogenic (1 of 4 stars; one submission).

Submission:

Labcorp Genetics (formerly Invitae), Labcorp
Classification: Likely pathogenic. Last evaluated: 2021-11-18. Review status: criteria provided, single submitter. Criteria: Invitae Variant Classification Sherloc (09022015). Collection method: clinical testing. Allele origin: germline.
Comment: In summary, the currently available evidence indicates that the variant is pathogenic, but additional data are needed to prove that conclusively. Therefore, this variant has been classified as Likely Pathogenic. This variant disrupts the triple helix domain of COL4A5. Glycine residues within the Gly-Xaa-Yaa repeats of the triple helix domain are required for the structure and stability of fibrillar collagens (PMID: 7695699, 8218237, 19344236). In COL4A5, missense variants at these glycine residues are significantly enriched in individuals with disease (PMID: 23720012, 27627812) compared to the general population (ExAC). Advanced modeling of protein sequence and biophysical properties (such as structural, functional, and spatial information, amino acid conservation, physicochemical variation, residue mobility, and thermodynamic stability) performed at Invitae indicates that this missense variant is expected to disrupt COL4A5 protein function. This variant has not been reported in the literature in individuals affected with COL4A5-related conditions. This variant is not present in population databases (gnomAD no frequency). This sequence change replaces glycine, which is neutral and non-polar, with glutamic acid, which is acidic and polar, at codon 647 of the COL4A5 protein (p.Gly647Glu).

Literature cited by the submitters: PubMed 7695699; PubMed 8218237; PubMed 19344236; PubMed 23720012; PubMed 27627812.